The following is an entry in ClinVar:

ClinVar aggregate classification (germline): Uncertain significance. Review status: criteria provided, multiple submitters, no conflicts (2 of 4 stars). 3 submissions from 3 submitters: Uncertain significance (3). Last evaluated 2025-11-03.

Conditions:
Inborn genetic diseases. Identifiers: MedGen C0950123, MeSH D030342.

Allele frequency attached by ClinVar (database versions not stated): gnomAD 0.00001; TOPMed 0.00001; gnomAD exomes 0.00005; ExAC 0.00012.
gnomAD v4.1: 67 of 1,578,328 alleles (0.0042%); highest among the groups gnomAD compares: Middle Eastern, 0.017%; no homozygotes.

Submissions (3):

Ambry Genetics
Classification: Uncertain significance for Inborn genetic diseases. Last evaluated: 2025-11-03. Review status: criteria provided, single submitter. Criteria: Ambry Variant Classification Scheme 2023. Collection method: clinical testing. Allele origin: germline.

Labcorp Genetics (formerly Invitae), Labcorp
Classification: Uncertain significance. Last evaluated: 2025-07-25. Review status: criteria provided, single submitter. Criteria: Invitae Variant Classification Sherloc (09022015). Collection method: clinical testing. Allele origin: germline.
Comment: This sequence change replaces glutamic acid, which is acidic and polar, with glycine, which is neutral and non-polar, at codon 573 of the TNFRSF11A protein (p.Glu573Gly). This variant is present in population databases (rs779127185, gnomAD 0.05%). This variant has not been reported in the literature in individuals affected with TNFRSF11A-related conditions. ClinVar contains an entry for this variant (Variation ID: 1904529). An algorithm developed to predict the effect of missense changes on protein structure and function (PolyPhen-2) suggests that this variant is likely to be disruptive. In summary, the available evidence is currently insufficient to determine the role of this variant in disease. Therefore, it has been classified as a Variant of Uncertain Significance.

Breakthrough Genomics
Classification: Uncertain significance. Review status: criteria provided, single submitter. Criteria: ACMG Guidelines, 2015. Collection method: not provided. Allele origin: germline. Inheritance: Autosomal recessive inheritance. Affected: yes.

NM_003839.4(TNFRSF11A):c.1718A>G (p.Glu573Gly)

Gene: TNFRSF11A (TNF receptor superfamily member 11a; plus strand). Cytogenetic location: 18q21.33.
Variant type: single nucleotide variant.
Coding change: c.1718A>G on transcript NM_003839.4 (MANE Select); coding-DNA position 1718, A replaced by G.
Protein change: p.Glu573Gly; replaces glutamic acid 573 with glycine.
Molecular consequence: missense variant. On other transcripts: 3 prime UTR variant (1).
Genome position (GRCh38, 1-based): chr18:62,384,901, A>G. VCF-style: chr18-62384901-A-G. GRCh37 (hg19) VCF-style: chr18-60052134-A-G.
Other names: c.*142A>G (NM_001270949.2); c.881A>G, p.Glu294Gly (NM_001270950.2); c.767A>G, p.Glu256Gly (NM_001270951.2); c.1676A>G, p.Glu559Gly (NM_001278268.2); short protein forms E294G, E573G, E256G, E559G.
Identifiers: ClinVar variation 1904529 (VCV001904529.7), dbSNP rs779127185, ClinGen allele CA8984043.